The following is an entry in ClinVar:

ClinVar aggregate classification (germline): Pathogenic. Review status: reviewed by expert panel (3 of 4 stars). 4 submissions from 4 submitters: Pathogenic (1). 3 of the submissions do not count toward it. Last evaluated 2026-09-21.

Conditions:
Hereditary cancer-predisposing syndrome. Also called: Tumor predisposition; Hereditary Cancer Syndrome; Hereditary neoplastic syndrome; Neoplastic Syndromes, Hereditary. Identifiers: Orphanet 140162, MedGen C0027672, MeSH D009386, MONDO:0015356.
Breast-ovarian cancer, familial, susceptibility to, 1 (BROVCA1). Also called: BRCA1 Hereditary Breast and Ovarian Cancer; OVARIAN CANCER, SUSCEPTIBILITY TO. Identifiers: Orphanet 145, MedGen C2676676, MONDO:0011450, OMIM 604370. Disease mechanism: loss of function.
BRCA2-related cancer predisposition. Identifiers: MedGen CN377758, MONDO:0700269.
Hereditary breast ovarian cancer syndrome. Also called: Hereditary breast and ovarian cancer syndrome; Hereditary breast and ovarian cancer syndrome (HBOC); Breast and ovarian cancer; Hereditary breast and ovarian cancer; Hereditary breast and/or ovarian cancer syndrome; BRCA1- and BRCA2-Associated Hereditary Breast and Ovarian Cancer. Identifiers: Orphanet 145, MedGen C0677776, MeSH D061325, MONDO:0003582. Disease mechanism: loss of function.

Allele frequency attached by ClinVar (database versions not stated): gnomAD exomes below 0.00001.
gnomAD v4.1: 1 of 1,614,210 alleles (0.000062%); highest among the groups gnomAD compares: Non-Finnish European, 0.000085%; no homozygotes.

Submissions (4):

ClinGen ENIGMA BRCA1 and BRCA2 Variant Curation Expert Panel, ClinGen
Classification: Pathogenic for BRCA2-related cancer predisposition. Last evaluated: 2026-09-21. Review status: reviewed by expert panel. Criteria: CSpec BRCA1/2ACMG Rules Specifications V1.2. Collection method: curation. Allele origin: germline. Inheritance: Autosomal dominant inheritance.
Comment: The c.7892T>C variant in BRCA2 is a missense variant predicted to cause substitution of Leucine by Proline at amino acid 2631 (p.(Leu2631Pro)). This variant is absent from gnomAD v2.1 (exomes only, non-cancer subset, read depth ≥25) and gnomAD v3.1 (non-cancer subset, read depth ≥25) (PM2_Supporting met). This BRCA2 missense variant is within a key functional domain and the computational predictor BayesDel (noAF) gives a score of 0.296, indicating impact on BRCA2 function via protein change is unclear (score range 0.18-0.30). A SpliceAI score of 0.02 predicts no impact on splicing (score threshold <0.10) (no bioinformatic code is applied). Reported by two calibrated studies to exhibit protein function similar to pathogenic control variants (PMIDs:39779857, 39779848) (PS3 met). Multifactorial likelihood ratio analysis using clinically calibrated data produced a combined LR for this variant of 0.4 (based on Pathology LR=0.4), within the thresholds for supporting benign evidence (LR >0.23 & ≤0.48) (BP5 met; Internal lab contributor). Cosegregation analysis of two families carrying this variant provided evidence towards pathogenicity, and has a Bayes Score of 13,131,457,856 (applied as LR), above the thresholds for very strong pathogenic evidence (LR ≥350) (PP1_Very strong met; PMID: 41699384, Internal lab contributor). In summary, this variant meets the criteria to be classified as a Pathogenic variant for BRCA2-related cancer predisposition based on the ACMG/AMP criteria applied as specified by the ENIGMA BRCA1/2 VCEP (PM2_Supporting, PS3, BP5, PP1_Very strong).

Ambry Genetics
Classification: Pathogenic for Hereditary cancer-predisposing syndrome. Last evaluated: 2026-02-25. Review status: criteria provided, single submitter. Criteria: Ambry Variant Classification Scheme 2023. Collection method: clinical testing. Allele origin: germline. Not counted in ClinVar's aggregate classification.
Comment: The p.L2631P pathogenic mutation (also known as c.7892T>C), located in coding exon 16 of the BRCA2 gene, results from a T to C substitution at nucleotide position 7892. The leucine at codon 2631 is replaced by proline, an amino acid with similar properties. This variant was shown to segregate with disease in a single, large family (Strojnik K et al. BJC Rep 2026 Feb;4(1):5). Two saturation genome editing-based studies, including a haploid cell-survival assay and a humanized mouse embryonic stem cell line assay of drug response and survival, demonstrate that this nucleotide substitution is non-functional (Huang H et al. Nature. 2025 Feb;638(8050):528-537; Sahu S et al. Nature. 2025 Feb;638(8050):538-545). This variant is considered to be rare based on population cohorts in the Genome Aggregation Database (gnomAD). This amino acid position is well conserved in available vertebrate species. In addition, this alteration is predicted to be deleterious by in silico analysis. Based on the supporting evidence, this variant is interpreted as a disease-causing mutation.

Labcorp Genetics (formerly Invitae), Labcorp
Classification: Uncertain significance for Hereditary breast ovarian cancer syndrome. Last evaluated: 2023-05-13. Review status: criteria provided, single submitter. Criteria: Invitae Variant Classification Sherloc (09022015). Collection method: clinical testing. Allele origin: germline. Not counted in ClinVar's aggregate classification.
Comment: In summary, the available evidence is currently insufficient to determine the role of this variant in disease. Therefore, it has been classified as a Variant of Uncertain Significance. Advanced modeling of protein sequence and biophysical properties (such as structural, functional, and spatial information, amino acid conservation, physicochemical variation, residue mobility, and thermodynamic stability) has been performed at Invitae for this missense variant, however the output from this modeling did not meet the statistical confidence thresholds required to predict the impact of this variant on BRCA2 protein function. ClinVar contains an entry for this variant (Variation ID: 1005003). This variant has not been reported in the literature in individuals affected with BRCA2-related conditions. This variant is not present in population databases (gnomAD no frequency). This sequence change replaces leucine, which is neutral and non-polar, with proline, which is neutral and non-polar, at codon 2631 of the BRCA2 protein (p.Leu2631Pro).

Department of Molecular Diagnostics, Institute of Oncology Ljubljana
Classification: Pathogenic for Breast-ovarian cancer, familial, susceptibility to, 1. Last evaluated: 2021-03-03. Review status: criteria provided, single submitter. Criteria: ACMG Guidelines, 2015. Collection method: clinical testing. Allele origin: germline. Inheritance: Autosomal dominant inheritance. Affected: yes. Not counted in ClinVar's aggregate classification.
Comment: PM2-supporting, PP3-strong, PP1-very strong (PMID:41699384), based on ClinGen ENIGMA BRCA1 and BRCA2 Expert Panel Specifications to the ACMG/AMP Variant Interpretation Guidelines for BRCA2 Version 1.2.0

Literature cited by the submitters: PubMed 39779848 (cited by Ambry Genetics); PubMed 39779857 (cited by Ambry Genetics); PubMed 41699384 (cited by Ambry Genetics and Department of Molecular Diagnostics, Institute of Oncology Ljubljana).

NM_000059.4(BRCA2):c.7892T>C (p.Leu2631Pro)

Gene: BRCA2 (BRCA2 DNA repair associated; plus strand). Cytogenetic location: 13q13.1.
Variant type: single nucleotide variant.
Coding change: c.7892T>C on transcript NM_000059.4 (MANE Select); coding-DNA position 7892, T replaced by C.
Protein change: p.Leu2631Pro; replaces leucine 2631 with proline.
Molecular consequence: missense variant.
Genome position (GRCh38, 1-based): chr13:32,362,609, T>C. VCF-style: chr13-32362609-T-C. GRCh37 (hg19) VCF-style: chr13-32936746-T-C.
Other names: NM_000059.4(BRCA2):c.7892T>C; p.Leu2631Pro; short protein forms L2631P.
Identifiers: ClinVar variation 1005003 (VCV001005003.16), dbSNP rs2072746856, ClinGen allele CA387747130.